The following is an entry in ClinVar:

ClinVar aggregate classification (germline): Likely benign. Review status: criteria provided, multiple submitters, no conflicts (2 of 4 stars). 5 submissions from 5 submitters: Likely benign (4). 1 of the submissions does not count toward it. Last evaluated 2025-12-18.

Conditions:
CDC45-related disorder. Also called: CDC45-related condition.

Allele frequency attached by ClinVar (database versions not stated): 1000 Genomes Project 30x 0.00047; 1000 Genomes Project 0.00060; TOPMed 0.00091; ESP Exome Variant Server 0.00131; gnomAD 0.00132 and 0.00135; ExAC 0.00152; gnomAD exomes 0.00154.
gnomAD v4.1: 2,480 of 1,609,416 alleles (0.15%); highest among the groups gnomAD compares: Non-Finnish European, 0.15%; 3 homozygotes.

Submissions (5):

Labcorp Genetics (formerly Invitae), Labcorp
Classification: Likely benign. Last evaluated: 2025-12-18. Review status: criteria provided, single submitter. Criteria: Invitae Variant Classification Sherloc (09022015). Collection method: clinical testing. Allele origin: germline.

Blueprint Genetics
Classification: Likely benign. Last evaluated: 2024-11-28. Review status: criteria provided, single submitter. Criteria: ACMG Guidelines, 2015. Collection method: clinical testing. Allele origin: germline.

CeGaT Center for Human Genetics Tuebingen
Classification: Likely benign. Last evaluated: 2024-09-01. Review status: criteria provided, single submitter. Criteria: CeGaT Center For Human Genetics Tuebingen Variant Classification Criteria Version 2. Collection method: clinical testing. Allele origin: germline. Affected: yes. Observed: 1 variant allele.
Comment: CDC45: BP4

GeneDx
Classification: Likely benign. Last evaluated: 2021-05-07. Review status: criteria provided, single submitter. Criteria: GeneDx Variant Classification Process June 2021. Collection method: clinical testing. Allele origin: germline. Affected: yes.
Comment: In silico analysis supports that this missense variant does not alter protein structure/function; This variant is associated with the following publications: (PMID: 27374770)

PreventionGenetics, part of Exact Sciences
Classification: Likely benign for CDC45-related condition. Last evaluated: 2023-03-22. Review status: no assertion criteria provided. Collection method: clinical testing. Allele origin: germline. Not counted in ClinVar's aggregate classification.
Comment: This variant is classified as likely benign based on ACMG/AMP sequence variant interpretation guidelines (Richards et al. 2015 PMID: 25741868, with internal and published modifications).

NM_003504.5(CDC45):c.464A>G (p.Glu155Gly)

Gene: CDC45 (cell division cycle 45; plus strand). Cytogenetic location: 22q11.21.
Variant type: single nucleotide variant.
Coding change: c.464A>G on transcript NM_003504.5 (MANE Select); coding-DNA position 464, A replaced by G.
Protein change: p.Glu155Gly; replaces glutamic acid 155 with glycine.
Molecular consequence: missense variant. On other transcripts: non-coding transcript variant (1).
Genome position (GRCh38, 1-based): chr22:19,483,983, A>G. VCF-style: chr22-19483983-A-G. GRCh37 (hg19) VCF-style: chr22-19471506-A-G.
Other names: c.464A>G, p.Glu155Gly (NM_001178010.2); c.326A>G, p.Glu109Gly (NM_001178011.2); c.428A>G, p.Glu143Gly (NM_001369291.1); short protein forms E109G, E143G, E155G.
Identifiers: ClinVar variation 1142614 (VCV001142614.28), dbSNP rs9606030, ClinGen allele CA10101048.